The following is an entry in ClinVar:

ClinVar aggregate classification (germline): Uncertain significance (1 of 4 stars; one submission).

Conditions:
Hereditary sensory and autonomic neuropathy type 7. Also called: Neuropathy, hereditary sensory and autonomic, type VII; HSAN VII. Identifiers: Orphanet 391397, MedGen C3809882, MONDO:0014244, OMIM 615548.
Familial episodic pain syndrome with predominantly lower limb involvement. Also called: Episodic pain syndrome, familial, 3. Identifiers: Orphanet 391384, Orphanet 391392, MedGen C3809899, MONDO:0014247, OMIM 615552.

Submission:

Labcorp Genetics (formerly Invitae), Labcorp
Classification: Uncertain significance for Familial episodic pain syndrome with predominantly lower limb involvement; Hereditary sensory and autonomic neuropathy type 7. Last evaluated: 2022-07-17. Review status: criteria provided, single submitter. Criteria: Invitae Variant Classification Sherloc (09022015). Collection method: clinical testing. Allele origin: germline.
Comment: This sequence change replaces isoleucine, which is neutral and non-polar, with phenylalanine, which is neutral and non-polar, at codon 1500 of the SCN11A protein (p.Ile1500Phe). This variant is not present in population databases (gnomAD no frequency). This variant has not been reported in the literature in individuals affected with SCN11A-related conditions. Algorithms developed to predict the effect of missense changes on protein structure and function are either unavailable or do not agree on the potential impact of this missense change (SIFT: "Deleterious"; PolyPhen-2: "Probably Damaging"; Align-GVGD: "Class C15"). In summary, the available evidence is currently insufficient to determine the role of this variant in disease. Therefore, it has been classified as a Variant of Uncertain Significance.

NM_001349253.2(SCN11A):c.4498A>T (p.Ile1500Phe)

Gene: SCN11A (sodium voltage-gated channel alpha subunit 11; minus strand). Cytogenetic location: 3p22.2.
Variant type: single nucleotide variant.
Coding change: c.4498A>T on transcript NM_001349253.2 (MANE Select); coding-DNA position 4498, A replaced by T.
Protein change: p.Ile1500Phe; replaces isoleucine 1500 with phenylalanine.
Molecular consequence: missense variant.
Genome position (GRCh38, 1-based): chr3:38,847,572, T>A on the plus strand (A>T on the coding strand, the complement: SCN11A is on the minus strand). VCF-style: chr3-38847572-T-A. GRCh37 (hg19) VCF-style: chr3-38889063-T-A.
Other names: c.4498A>T, p.Ile1500Phe (NM_014139.3); short protein forms I1500F.
Identifiers: ClinVar variation 1716720 (VCV001716720.5), dbSNP rs2470967631, ClinGen allele CA352163649.